The following is an entry in ClinVar:

NM_003070.5(SMARCA2):c.3187A>G (p.Arg1063Gly)

Gene: SMARCA2 (SWI/SNF related BAF chromatin remodeling complex subunit ATPase 2; plus strand). Cytogenetic location: 9p24.3.
Variant type: single nucleotide variant.
Coding change: c.3187A>G on transcript NM_003070.5 (MANE Select); coding-DNA position 3187, A replaced by G.
Protein change: p.Arg1063Gly; replaces arginine 1063 with glycine.
Molecular consequence: missense variant.
Genome position (GRCh38, 1-based): chr9:2,104,064, A>G. VCF-style: chr9-2104064-A-G. GRCh37 (hg19) VCF-style: chr9-2104064-A-G.
Other names: c.3187A>G, p.Arg1063Gly (NM_001289396.2, NM_139045.4); c.3013A>G, p.Arg1005Gly (NM_001289397.2); short protein forms R1005G, R1063G.
Identifiers: ClinVar variation 4057112 (VCV004057112.1).

ClinVar aggregate classification (germline): Uncertain significance (1 of 4 stars; one submission).

Submission:

GeneDx
Classification: Uncertain significance. Last evaluated: 2025-01-09. Review status: criteria provided, single submitter. Criteria: GeneDx Variant Classification Process June 2021. Collection method: clinical testing. Allele origin: germline. Affected: yes.
Comment: Not observed at significant frequency in large population cohorts (gnomAD); In silico analysis supports that this missense variant has a deleterious effect on protein structure/function; Has not been previously published as pathogenic or benign to our knowledge